The following is an entry in ClinVar:

ClinVar aggregate classification (germline): Pathogenic/Likely pathogenic. Review status: criteria provided, multiple submitters, no conflicts (2 of 4 stars). 2 submissions from 2 submitters: Pathogenic (1); Likely pathogenic (1). Last evaluated 2025-09-09.

Conditions:
Retinitis pigmentosa 39 (RP39). Identifiers: Orphanet 791, MedGen C3151138, MONDO:0013436, OMIM 613809.
USH2A-related disorder. Also called: USH2A-related disorders; USH2A-related condition. Identifiers: MedGen CN239332.

Submissions (2):

Myriad Genetics, Inc.
Classification: Pathogenic for USH2A-related disorder. Last evaluated: 2025-09-09. Review status: criteria provided, single submitter. Criteria: Myriad Autosomal Dominant, Autosomal Recessive and X-Linked Classification Criteria (2023). Collection method: clinical testing. Allele origin: unknown.
Comment: NM_206933.2(USH2A):c.3828T>A(Y1276*) is expected to be pathogenic in the context of USH2A-related disorders. This variant is predicted to lead to an abnormal or absent protein product due to the creation of a premature termination codon in USH2A, a gene where loss-of-function variants are known to be pathogenic. Please note: this variant was assessed in the context of healthy population screening.

Baylor Genetics
Classification: Likely pathogenic for Retinitis pigmentosa 39. Last evaluated: 2021-11-04. Review status: criteria provided, single submitter. Criteria: ACMG Guidelines, 2015. Collection method: clinical testing. Allele origin: unknown.

NM_206933.4(USH2A):c.3828T>A (p.Tyr1276Ter)

Genes: USH2A (usherin; minus strand), USH2A-AS1 (USH2A antisense RNA 1; plus strand). Cytogenetic location: 1q41.
Variant type: single nucleotide variant.
Coding change: c.3828T>A on transcript NM_206933.4 (MANE Select); coding-DNA position 3828, T replaced by A.
Protein change: p.Tyr1276Ter; replaces tyrosine 1276 with a stop codon.
Molecular consequence: nonsense.
Genome position (GRCh38, 1-based): chr1:216,198,568, A>T on the plus strand (T>A on the coding strand, the complement: USH2A is on the minus strand). VCF-style: chr1-216198568-A-T. GRCh37 (hg19) VCF-style: chr1-216371910-A-T.
Other names: c.3828T>A, p.Tyr1276Ter (NM_007123.6); short protein forms Y1276*.
Identifiers: ClinVar variation 2679577 (VCV002679577.2), dbSNP rs2034908815, ClinGen allele CA344867383.